The following is an entry in ClinVar:

NM_001113491.2(SEPTIN9):c.287C>T (p.Ser96Leu)

Gene: SEPTIN9 (septin 9; plus strand). Cytogenetic location: 17q25.3.
Variant type: single nucleotide variant.
Coding change: c.287C>T on transcript NM_001113491.2 (MANE Select); coding-DNA position 287, C replaced by T.
Protein change: p.Ser96Leu; replaces serine 96 with leucine.
Molecular consequence: missense variant. On other transcripts: 5 prime UTR variant (2).
Genome position (GRCh38, 1-based): chr17:77,402,269, C>T. VCF-style: chr17-77402269-C-T. GRCh37 (hg19) VCF-style: chr17-75398351-C-T.
Other names: c.233C>T (NM_006640.4); c.-206C>T (NM_001113492.2, NM_001113494.1); c.266C>T, p.Ser89Leu (NM_001113493.2); c.230C>T, p.Ser77Leu (NM_001293695.2); c.233C>T, p.Ser78Leu (NM_006640.5); short protein forms S77L, S78L, S96L, S89L.
Identifiers: ClinVar variation 3009304 (VCV003009304.4), dbSNP rs1309991827, ClinGen allele CA401205867.

ClinVar aggregate classification (germline): Uncertain significance. Review status: criteria provided, multiple submitters, no conflicts (2 of 4 stars). 2 submissions from 2 submitters: Uncertain significance (2). Last evaluated 2023-03-03.

Conditions:
Inborn genetic diseases. Identifiers: MedGen C0950123, MeSH D030342.

Allele frequency attached by ClinVar (database versions not stated): gnomAD 0.00001; gnomAD exomes 0.00001.
gnomAD v4.1: 15 of 1,612,460 alleles (0.00093%); highest among the groups gnomAD compares: African/African-American, 0.0067%; no homozygotes.

Submissions (2):

Labcorp Genetics (formerly Invitae), Labcorp
Classification: Uncertain significance. Last evaluated: 2023-03-03. Review status: criteria provided, single submitter. Criteria: Invitae Variant Classification Sherloc (09022015). Collection method: clinical testing. Allele origin: germline.
Comment: In summary, the available evidence is currently insufficient to determine the role of this variant in disease. Therefore, it has been classified as a Variant of Uncertain Significance. Advanced modeling of protein sequence and biophysical properties (such as structural, functional, and spatial information, amino acid conservation, physicochemical variation, residue mobility, and thermodynamic stability) performed at Invitae indicates that this missense variant is not expected to disrupt SEPT9 protein function. This variant has not been reported in the literature in individuals affected with SEPT9-related conditions. This variant is present in population databases (no rsID available, gnomAD 0.0009%). This sequence change replaces serine, which is neutral and polar, with leucine, which is neutral and non-polar, at codon 78 of the SEPT9 protein (p.Ser78Leu).

Ambry Genetics
Classification: Uncertain significance for Inborn genetic diseases. Last evaluated: 2021-12-02. Review status: criteria provided, single submitter. Criteria: Ambry Variant Classification Scheme 2023. Collection method: clinical testing. Allele origin: germline.